The following is an entry in ClinVar:

NM_004608.4(TBX6):c.615C>T (p.His205=)

Gene: TBX6 (T-box transcription factor 6; minus strand). Cytogenetic location: 16p11.2.
Variant type: single nucleotide variant.
Coding change: c.615C>T on transcript NM_004608.4 (MANE Select); coding-DNA position 615, C replaced by T.
Protein change: p.His205=; no amino-acid change (histidine 205 retained).
Molecular consequence: synonymous variant.
Genome position (GRCh38, 1-based): chr16:30,088,949, G>A on the plus strand (C>T on the coding strand, the complement: TBX6 is on the minus strand). VCF-style: chr16-30088949-G-A. GRCh37 (hg19) VCF-style: chr16-30100270-G-A.
Other names: c.615C>T (NM_004608.3).
Identifiers: ClinVar variation 2958617 (VCV002958617.5), dbSNP rs749456982, ClinGen allele CA8001879.
Genomic context (GRCh38, chr16:30,088,949, plus strand): 5'-GCCTCCCTTCCAGCACCCCCCAACCCTATCCTGGAGTCCCAGCCTGGGCCTCACGTGGCC[G>A]TGGGGGTCCAGCGTGCTGTTGGTGAGCTTGACACGATGGAAAGACACAGGCTGCCGCATC-3'
Protein context (NP_004599.2, residues 195-215): VKLTNSTLDP[His205=]GHLILHSMHK

ClinVar aggregate classification (germline): Likely benign. Review status: criteria provided, single submitter (1 of 4 stars). 2 submissions from 2 submitters: Likely benign (1). 1 of the submissions does not count toward it. Last evaluated 2023-07-03.

Conditions:
TBX6-related disorder. Also called: TBX6-related condition.

Allele frequency attached by ClinVar (database versions not stated): gnomAD exomes 0.00001; ExAC 0.00003.
gnomAD v4.1: 17 of 1,607,004 alleles (0.0011%); highest among the groups gnomAD compares: East Asian, 0.0067%; no homozygotes.

Submissions (2):

Labcorp Genetics (formerly Invitae), Labcorp
Classification: Likely benign. Last evaluated: 2023-07-03. Review status: criteria provided, single submitter. Criteria: Invitae Variant Classification Sherloc (09022015). Collection method: clinical testing. Allele origin: germline.

PreventionGenetics, part of Exact Sciences
Classification: Likely benign for TBX6-related condition. Last evaluated: 2019-04-29. Review status: no assertion criteria provided. Collection method: clinical testing. Allele origin: germline. Not counted in ClinVar's aggregate classification.
Comment: This variant is classified as likely benign based on ACMG/AMP sequence variant interpretation guidelines (Richards et al. 2015 PMID: 25741868, with internal and published modifications).